The following is an entry in ClinVar:

NM_002691.4(POLD1):c.248C>G (p.Thr83Arg)

Gene: POLD1 (DNA polymerase delta 1, catalytic subunit; plus strand). Cytogenetic location: 19q13.33.
Variant type: single nucleotide variant.
Coding change: c.248C>G on transcript NM_002691.4 (MANE Select); coding-DNA position 248, C replaced by G.
Protein change: p.Thr83Arg; replaces threonine 83 with arginine.
Molecular consequence: missense variant. On other transcripts: non-coding transcript variant (1).
Genome position (GRCh38, 1-based): chr19:50,399,416, C>G. VCF-style: chr19-50399416-C-G. GRCh37 (hg19) VCF-style: chr19-50902673-C-G.
Other names: c.248C>G (NM_002691.2); c.248C>G, p.Thr83Arg (NM_001256849.1, NM_001308632.1); short protein forms T83R.
Identifiers: ClinVar variation 1482300 (VCV001482300.7), dbSNP rs752685876, ClinGen allele CA406970464.
Genomic context (GRCh38, chr19:50,399,416, plus strand): 5'-CCCTTCCCCCACCAGGGCAGGTCCCACCATCAGCCATAGATCCTCGCTGGCTTCGGCCCA[C>G]ACCACCAGCGCTGGACCCCCAGACAGAGCCCCTCATCTTCCAACAGTTGGAGATTGACCA-3'
Protein context (NP_002682.2, residues 73-93): SAIDPRWLRP[Thr83Arg]PPALDPQTEP

ClinVar aggregate classification (germline): Uncertain significance. Review status: criteria provided, multiple submitters, no conflicts (2 of 4 stars). 2 submissions from 2 submitters: Uncertain significance (2). Last evaluated 2026-05-02.

Conditions:
POLD1-related polyposis and colorectal cancer syndrome (CRCS10). Also called: Colorectal cancer 10; COLORECTAL CANCER, SUSCEPTIBILITY TO, ON CHROMOSOME 19q; Colorectal cancer, susceptibility to, 10. Identifiers: Orphanet 220460, MedGen C2675481, MONDO:0012953, OMIM 612591.
Hereditary cancer-predisposing syndrome. Also called: Neoplastic Syndromes, Hereditary; Tumor predisposition; Hereditary Cancer Syndrome; Hereditary neoplastic syndrome. Identifiers: Orphanet 140162, MedGen C0027672, MeSH D009386, MONDO:0015356.

Submissions (2):

Ambry Genetics
Classification: Uncertain significance for Hereditary cancer-predisposing syndrome. Last evaluated: 2026-05-02. Review status: criteria provided, single submitter. Criteria: Ambry Variant Classification Scheme 2023. Collection method: clinical testing. Allele origin: germline.
Comment: The p.T83R variant (also known as c.248C>G), located in coding exon 2 of the POLD1 gene, results from a C to G substitution at nucleotide position 248. The threonine at codon 83 is replaced by arginine, an amino acid with similar properties. This amino acid position is conserved. In addition, this alteration is predicted to be tolerated by in silico analysis. Based on the available evidence, the clinical significance of this variant remains unclear.

Labcorp Genetics (formerly Invitae), Labcorp
Classification: Uncertain significance for POLD1-related polyposis and colorectal cancer syndrome. Last evaluated: 2021-10-16. Review status: criteria provided, single submitter. Criteria: Invitae Variant Classification Sherloc (09022015). Collection method: clinical testing. Allele origin: germline.
Comment: This variant is not present in population databases (ExAC no frequency). This sequence change replaces threonine with arginine at codon 83 of the POLD1 protein (p.Thr83Arg). The threonine residue is weakly conserved and there is a moderate physicochemical difference between threonine and arginine. In summary, the available evidence is currently insufficient to determine the role of this variant in disease. Therefore, it has been classified as a Variant of Uncertain Significance. Algorithms developed to predict the effect of sequence changes on RNA splicing suggest that this variant may create or strengthen a splice site. Algorithms developed to predict the effect of missense changes on protein structure and function (SIFT, PolyPhen-2, Align-GVGD) all suggest that this variant is likely to be tolerated. This variant has not been reported in the literature in individuals affected with POLD1-related conditions.